The following is an entry in ClinVar:

ClinVar aggregate classification (germline): Pathogenic/Likely pathogenic. Review status: criteria provided, multiple submitters, no conflicts (2 of 4 stars). 10 submissions from 10 submitters: Pathogenic (5); Likely pathogenic (1). 4 of the submissions do not count toward it. Last evaluated 2025-07-16.

Conditions:
ABCG8-related disorder. Also called: ABCG8-related condition.
Sitosterolemia 1. Identifiers: MedGen C2749759, MONDO:0020747, OMIM 210250.
Cardiovascular phenotype. Identifiers: MedGen CN230736.
Sitosterolemia (STSL). Also called: PHYTOSTEROLEMIA. Identifiers: Orphanet 2882, MedGen C0342907, MONDO:0008863.

Allele frequency attached by ClinVar (database versions not stated): ExAC 0.00011; gnomAD 0.00013; gnomAD exomes 0.00010 and 0.00011; TOPMed 0.00017.
gnomAD v4.1: 187 of 1,614,050 alleles (0.012%); highest among the groups gnomAD compares: Admixed American, 0.022%; no homozygotes.

Submissions (10):

Labcorp Genetics (formerly Invitae), Labcorp
Classification: Pathogenic. Last evaluated: 2025-07-16. Review status: criteria provided, single submitter. Criteria: Invitae Variant Classification Sherloc (09022015). Collection method: clinical testing. Allele origin: germline.
Comment: This sequence change creates a premature translational stop signal (p.Arg412*) in the ABCG8 gene. It is expected to result in an absent or disrupted protein product. Loss-of-function variants in ABCG8 are known to be pathogenic (PMID: 11452359, 15375183, 16029460). This variant is present in population databases (rs137852991, gnomAD 0.02%). This premature translational stop signal has been observed in individual(s) with clinical features of ABCG8-related conditions (PMID: 11099417, 32088153). ClinVar contains an entry for this variant (Variation ID: 4972). For these reasons, this variant has been classified as Pathogenic.

Mayo Clinic Laboratories, Mayo Clinic
Classification: Pathogenic. Last evaluated: 2024-09-24. Review status: criteria provided, single submitter. Criteria: ACMG Guidelines, 2015. Collection method: clinical testing. Allele origin: germline. Observed: 1 variant allele.
Comment: PP1, PM3_strong, PVS1

Ambry Genetics
Classification: Pathogenic for Cardiovascular phenotype. Last evaluated: 2023-05-22. Review status: criteria provided, single submitter. Criteria: Ambry Variant Classification Scheme 2023. Collection method: clinical testing. Allele origin: germline.
Comment: The p.R412* pathogenic mutation (also known as c.1234C>T), located in coding exon 9 of the ABCG8 gene, results from a C to T substitution at nucleotide position 1234. This changes the amino acid from an arginine to a stop codon within coding exon 9. This alteration has been reported as compound heterozygous with additional alterations in ABCG8 in individuals with sitosterolemia (Berge KE et al. Science, 2000 Dec;290:1771-5; Lee MH et al. Curr Opin Lipidol, 2001 Apr;12:141-9; Lu K et al. Am J Hum Genet, 2001 Aug;69:278-90; Heimerl S et al. Hum Mutat, 2002 Aug;20:151; Xia Y et al. J Clin Lipidol, 2022 Dec;16:40-51). This variant is considered to be rare based on population cohorts in the Genome Aggregation Database (gnomAD). In addition to the clinical data presented in the literature, this alteration is expected to result in loss of function by premature protein truncation or nonsense-mediated mRNA decay. As such, this alteration is interpreted as a disease-causing mutation.

Revvity Omics, Revvity
Classification: Pathogenic for Sitosterolemia 1. Last evaluated: 2022-09-07. Review status: criteria provided, single submitter. Criteria: ACMG Guidelines, 2015. Collection method: clinical testing. Allele origin: germline.

Department of Pathology and Laboratory Medicine, Sinai Health System
Classification: Likely pathogenic for sitosterolemia. Last evaluated: 2021-11-15. Review status: criteria provided, single submitter. Criteria: ACMG Guidelines, 2015. Collection method: research. Allele origin: germline.

Illumina Laboratory Services, Illumina
Classification: Pathogenic for Sitosterolemia 1. Last evaluated: 2017-04-28. Review status: criteria provided, single submitter. Criteria: ICSL Variant Classification Criteria 09 May 2019. Collection method: clinical testing. Allele origin: germline.
Comment: The ABCG8 c.1234C>T (p.Arg412Ter) is a stop-gained variant that has been reported in four studies in which it is found in a total of five individuals with sitosterolemia, all in a compound heterozygous state (Berge et al. 2000; Lu et al. 2001; Lee et al. 2001; Heimerl et al. 2002). The p.Arg412Ter variant was absent from 592 control alleles but is reported at a frequency of 0.00026 in the Latino population of the Exome Aggregation Consortium. Due to the potential impact of stop-gained variants, the p.Arg412Ter variant is classified as pathogenic for sitosterolemia. This variant was observed by ICSL as part of a predisposition screen in an ostensibly healthy population.

PreventionGenetics, part of Exact Sciences
Classification: Likely pathogenic for ABCG8-related condition. Last evaluated: 2024-07-03. Review status: no assertion criteria provided. Collection method: clinical testing. Allele origin: germline. Not counted in ClinVar's aggregate classification.
Comment: The ABCG8 c.1234C>T variant is predicted to result in premature protein termination (p.Arg412*). This variant has been reported in individuals with sitosterolaemia (Berge et al. 2000. PubMed ID: 11099417; Heimerl et al. 2002. PubMed ID: 12124998). This variant is reported in 0.023% of alleles in individuals of Latino descent in gnomAD. Nonsense variants in ABCG8 are expected to be pathogenic. This variant is interpreted as likely pathogenic.

OMIM
Classification: Pathogenic for SITOSTEROLEMIA 1. Last evaluated: 2000-12-01. Review status: no assertion criteria provided. Collection method: literature only. Allele origin: germline. Not counted in ClinVar's aggregate classification.

Clinical Genetics DNA and cytogenetics Diagnostics Lab, Erasmus MC, Erasmus Medical Center
Classification: Pathogenic. Review status: no assertion criteria provided. Collection method: clinical testing. Allele origin: germline. Affected: yes. Study: VKGL Data-share Consensus. Not counted in ClinVar's aggregate classification.

Clinical Genetics, Academic Medical Center
Classification: Pathogenic. Review status: no assertion criteria provided. Collection method: clinical testing. Allele origin: germline. Affected: yes. Study: VKGL Data-share Consensus. Not counted in ClinVar's aggregate classification.

Literature cited by the submitters: PubMed 11452359 (cited by 4 submitters); PubMed 15375183 (cited by Labcorp Genetics (formerly Invitae), Labcorp); PubMed 16029460 (cited by Labcorp Genetics (formerly Invitae), Labcorp); PubMed 11099417 (cited by 5 submitters); PubMed 32088153 (cited by Labcorp Genetics (formerly Invitae), Labcorp and Mayo Clinic Laboratories, Mayo Clinic); PubMed 11264985 (cited by 3 submitters); PubMed 12124998 (cited by 3 submitters); PubMed 34969652 (cited by Mayo Clinic Laboratories, Mayo Clinic and Ambry Genetics); PubMed 36519321 (cited by Mayo Clinic Laboratories, Mayo Clinic); PubMed 37647632 (cited by Mayo Clinic Laboratories, Mayo Clinic).

NM_022437.3(ABCG8):c.1234C>T (p.Arg412Ter)

Gene: ABCG8 (ATP binding cassette subfamily G member 8; plus strand). Cytogenetic location: 2p21.
Variant type: single nucleotide variant.
Coding change: c.1234C>T on transcript NM_022437.3 (MANE Select); coding-DNA position 1234, C replaced by T.
Protein change: p.Arg412Ter; replaces arginine 412 with a stop codon.
Molecular consequence: nonsense.
Genome position (GRCh38, 1-based): chr2:43,873,809, C>T. VCF-style: chr2-43873809-C-T. GRCh37 (hg19) VCF-style: chr2-44100948-C-T.
Other names: p.Arg412*; c.1231C>T, p.Arg411Ter (NM_001357321.2); short protein forms R412*, R411*.
Identifiers: ClinVar variation 4972 (VCV000004972.26), dbSNP rs137852991, ClinGen allele CA253366.